The following is an entry in ClinVar:

ClinVar aggregate classification (germline): Benign (1 of 4 stars; one submission).

Conditions:
Pheochromocytoma/paraganglioma syndrome 5. Also called: Paragangliomas 5; SDHA-Related Hereditary Paraganglioma-Pheochromocytoma Syndrome. Identifiers: Orphanet 29072, MedGen C3279992, MONDO:0013602, OMIM 614165.

Submission:

Myriad Genetics, Inc.
Classification: Benign for Pheochromocytoma/paraganglioma syndrome 5. Last evaluated: 2025-03-11. Review status: criteria provided, single submitter. Criteria: Myriad Autosomal Dominant, Autosomal Recessive and X-Linked Classification Criteria (2023). Collection method: clinical testing. Allele origin: unknown.
Comment: This variant is considered benign. This variant is a silent/synonymous amino acid change and it is not expected to impact splicing.

NM_004168.4(SDHA):c.1932G>C (p.Val644=)

Gene: SDHA (succinate dehydrogenase complex flavoprotein subunit A; plus strand). Cytogenetic location: 5p15.33.
Variant type: single nucleotide variant.
Coding change: c.1932G>C on transcript NM_004168.4 (MANE Select); coding-DNA position 1932, G replaced by C.
Protein change: p.Val644=; no amino-acid change (valine 644 retained).
Molecular consequence: synonymous variant.
Genome position (GRCh38, 1-based): chr5:256,357, G>C. VCF-style: chr5-256357-G-C. GRCh37 (hg19) VCF-style: chr5-256472-G-C.
Other names: c.1788G>C, p.Val596= (NM_001294332.2); c.1689G>C, p.Val563= (NM_001330758.2).
Identifiers: ClinVar variation 3904529 (VCV003904529.1).